The following is an entry in ClinVar:

NC_000012.12:g.121626851G>A

Genes: ORAI1 (ORAI calcium release-activated calcium modulator 1; plus strand), LOC130008987 (ATAC-STARR-seq lymphoblastoid silent region 4981; plus strand). Cytogenetic location: 12q24.31.
Variant type: single nucleotide variant.
Genome position: GRCh38 VCF-style: chr12-121626851-G-A. GRCh37 (hg19) VCF-style: chr12-122064756-G-A.
Other names: c.109G>A, p.Gly37Arg (NM_032790.4); short protein forms G37R.
Identifiers: ClinVar variation 1449735 (VCV001449735.6), dbSNP rs2136841564, ClinGen allele CA386980558.

ClinVar aggregate classification (germline): Uncertain significance (1 of 4 stars; one submission).

Conditions:
Combined immunodeficiency due to ORAI1 deficiency. Also called: IMMUNODEFICIENCY 9. Identifiers: Orphanet 169090, Orphanet 317428, MedGen C2748568, MONDO:0013007, OMIM 612782.
Myopathy, tubular aggregate, 2 (TAM2). Identifiers: MedGen C4014557, MONDO:0014383, OMIM 615883.

Submission:

Labcorp Genetics (formerly Invitae), Labcorp
Classification: Uncertain significance for Myopathy, tubular aggregate, 2; Combined immunodeficiency due to ORAI1 deficiency. Last evaluated: 2023-04-04. Review status: criteria provided, single submitter. Criteria: Invitae Variant Classification Sherloc (09022015). Collection method: clinical testing. Allele origin: germline.
Comment: ClinVar contains an entry for this variant (Variation ID: 1449735). Experimental studies and prediction algorithms are not available or were not evaluated, and the functional significance of this variant is currently unknown. In summary, the available evidence is currently insufficient to determine the role of this variant in disease. Therefore, it has been classified as a Variant of Uncertain Significance. This variant has not been reported in the literature in individuals affected with ORAI1-related conditions. This variant is not present in population databases (gnomAD no frequency). This sequence change replaces glycine with arginine at codon 37 of the ORAI1 protein (p.Gly37Arg). The glycine residue is weakly conserved and there is a moderate physicochemical difference between glycine and arginine.